The following is an entry in ClinVar:

NM_001567.4(INPPL1):c.754-3C>T

Gene: INPPL1 (inositol polyphosphate phosphatase like 1; plus strand). Cytogenetic location: 11q13.4.
Variant type: single nucleotide variant.
Coding change: c.754-3C>T on transcript NM_001567.4 (MANE Select); 3 bases into the intron before coding-DNA position 754, C replaced by T.
Molecular consequence: intron variant.
Genome position (GRCh38, 1-based): chr11:72,229,660, C>T. VCF-style: chr11-72229660-C-T. GRCh37 (hg19) VCF-style: chr11-71940704-C-T.
Identifiers: ClinVar variation 2421261 (VCV002421261.7), dbSNP rs374049262, ClinGen allele CA6169788.

ClinVar aggregate classification (germline): Uncertain significance. Review status: criteria provided, multiple submitters, no conflicts (2 of 4 stars). 2 submissions from 2 submitters: Uncertain significance (2). Last evaluated 2022-08-22.

Allele frequency attached by ClinVar (database versions not stated): ExAC 0.00002; gnomAD 0.00002; TOPMed 0.00003; ESP Exome Variant Server 0.00015.
gnomAD v4.1: 45 of 1,613,812 alleles (0.0028%); highest among the groups gnomAD compares: Non-Finnish European, 0.0036%; no homozygotes.

Submissions (2):

Labcorp Genetics (formerly Invitae), Labcorp
Classification: Uncertain significance. Last evaluated: 2022-08-22. Review status: criteria provided, single submitter. Criteria: Invitae Variant Classification Sherloc (09022015). Collection method: clinical testing. Allele origin: germline.
Comment: This sequence change falls in intron 6 of the INPPL1 gene. It does not directly change the encoded amino acid sequence of the INPPL1 protein. It affects a nucleotide within the consensus splice site. This variant is present in population databases (rs374049262, gnomAD 0.004%). This variant has not been reported in the literature in individuals affected with INPPL1-related conditions. Variants that disrupt the consensus splice site are a relatively common cause of aberrant splicing (PMID: 17576681, 9536098). Algorithms developed to predict the effect of sequence changes on RNA splicing suggest that this variant is not likely to affect RNA splicing. In summary, the available evidence is currently insufficient to determine the role of this variant in disease. Therefore, it has been classified as a Variant of Uncertain Significance.

Breakthrough Genomics
Classification: Uncertain significance. Review status: criteria provided, single submitter. Criteria: ACMG Guidelines, 2015. Collection method: not provided. Allele origin: germline. Inheritance: Autosomal recessive inheritance. Affected: yes.

Literature cited by the submitters: PubMed 17576681 (cited by Labcorp Genetics (formerly Invitae), Labcorp); PubMed 9536098 (cited by Labcorp Genetics (formerly Invitae), Labcorp).